The following is an entry in ClinVar:

ClinVar aggregate classification (germline): Uncertain significance (1 of 4 stars; one submission).

Submission:

Ambry Genetics
Classification: Uncertain significance. Last evaluated: 2023-04-23. Review status: criteria provided, single submitter. Criteria: Ambry Variant Classification Scheme 2023. Collection method: clinical testing. Allele origin: germline.
Comment: The p.A27T variant (also known as c.79G>A), located in coding exon 2 of the NQO1 gene, results from a G to A substitution at nucleotide position 79. The alanine at codon 27 is replaced by threonine, an amino acid with similar properties. This amino acid position is conserved. In addition, this alteration is predicted to be tolerated by in silico analysis. Since supporting evidence is limited at this time, the clinical significance of this alteration remains unclear.

NM_000903.3(NQO1):c.79G>A (p.Ala27Thr)

Gene: NQO1 (NAD(P)H quinone dehydrogenase 1; minus strand). Cytogenetic location: 16q22.1.
Variant type: single nucleotide variant.
Coding change: c.79G>A on transcript NM_000903.3 (MANE Select); coding-DNA position 79, G replaced by A.
Protein change: p.Ala27Thr; replaces alanine 27 with threonine.
Molecular consequence: missense variant.
Genome position (GRCh38, 1-based): chr16:69,718,463, C>T on the plus strand (G>A on the coding strand, the complement: NQO1 is on the minus strand). VCF-style: chr16-69718463-C-T. GRCh37 (hg19) VCF-style: chr16-69752366-C-T.
Other names: c.79G>A, p.Ala27Thr (NM_001025433.2, NM_001025434.2, NM_001286137.2); short protein forms A27T.
Identifiers: ClinVar variation 2560777 (VCV002560777.2), dbSNP rs2544333405, ClinGen allele CA396491820.